The following is an entry in ClinVar:

ClinVar aggregate classification (germline): Uncertain significance (1 of 4 stars; one submission).

Conditions:
Joubert syndrome. Also called: CEREBELLOPARENCHYMAL DISORDER IV; JOUBERT-BOLTSHAUSER SYNDROME; Familial aplasia of the vermis. Identifiers: Orphanet 475, MedGen C5979921, MONDO:0018772.
Nephronophthisis. Also called: Juvenile Nephronophthisis. Identifiers: Orphanet 655, MedGen C0687120, MONDO:0019005, HP:0000090.
Meckel-Gruber syndrome. Also called: DYSENCEPHALIA SPLANCHNOCYSTICA; GRUBER SYNDROME; Dysencephalia splachnocystica. Identifiers: Orphanet 564, MedGen C0265215, MONDO:0018921.

gnomAD v4.1: 1 of 1,551,994 alleles (0.000064%); no homozygotes.

Submission:

Labcorp Genetics (formerly Invitae), Labcorp
Classification: Uncertain significance for Joubert syndrome; Meckel-Gruber syndrome; Nephronophthisis. Last evaluated: 2022-05-10. Review status: criteria provided, single submitter. Criteria: Invitae Variant Classification Sherloc (09022015). Collection method: clinical testing. Allele origin: germline.
Comment: This sequence change replaces aspartic acid, which is acidic and polar, with histidine, which is basic and polar, at codon 2396 of the CEP290 protein (p.Asp2396His). This variant is not present in population databases (gnomAD no frequency). This variant has not been reported in the literature in individuals affected with CEP290-related conditions. Algorithms developed to predict the effect of missense changes on protein structure and function are either unavailable or do not agree on the potential impact of this missense change (SIFT: "Deleterious"; PolyPhen-2: "Possibly Damaging"; Align-GVGD: "Class C0"). In summary, the available evidence is currently insufficient to determine the role of this variant in disease. Therefore, it has been classified as a Variant of Uncertain Significance.

NM_025114.4(CEP290):c.7186G>C (p.Asp2396His)

Gene: CEP290 (centrosomal protein 290; minus strand). Cytogenetic location: 12q21.32.
Variant type: single nucleotide variant.
Coding change: c.7186G>C on transcript NM_025114.4 (MANE Select); coding-DNA position 7186, G replaced by C.
Protein change: p.Asp2396His; replaces aspartic acid 2396 with histidine.
Molecular consequence: missense variant.
Genome position (GRCh38, 1-based): chr12:88,050,377, C>G on the plus strand (G>C on the coding strand, the complement: CEP290 is on the minus strand). VCF-style: chr12-88050377-C-G. GRCh37 (hg19) VCF-style: chr12-88444154-C-G.
Other names: short protein forms D2396H.
Identifiers: ClinVar variation 2169371 (VCV002169371.1), dbSNP rs189556433, ClinGen allele CA385973653.